The following is an entry in ClinVar:

NM_000368.5(TSC1):c.2629G>A (p.Val877Ile)

Gene: TSC1 (TSC complex subunit 1; minus strand). Cytogenetic location: 9q34.13.
Variant type: single nucleotide variant.
Coding change: c.2629G>A on transcript NM_000368.5 (MANE Select); coding-DNA position 2629, G replaced by A.
Protein change: p.Val877Ile; replaces valine 877 with isoleucine.
Molecular consequence: missense variant.
Genome position (GRCh38, 1-based): chr9:132,897,607, C>T on the plus strand (G>A on the coding strand, the complement: TSC1 is on the minus strand). VCF-style: chr9-132897607-C-T. GRCh37 (hg19) VCF-style: chr9-135772994-C-T.
Other names: c.2626G>A, p.Val876Ile (NM_001162426.2); c.2476G>A, p.Val826Ile (NM_001162427.2); c.2266G>A, p.Val756Ile (NM_001362177.2); short protein forms V756I, V877I, V826I, V876I.
Identifiers: ClinVar variation 863256 (VCV000863256.13), dbSNP rs1321117036, ClinGen allele CA375369718.

ClinVar aggregate classification (germline): Uncertain significance. Review status: criteria provided, multiple submitters, no conflicts (2 of 4 stars). 2 submissions from 2 submitters: Uncertain significance (2). Last evaluated 2026-01-26.

Conditions:
Hereditary cancer-predisposing syndrome. Also called: Tumor predisposition; Hereditary Cancer Syndrome; Neoplastic Syndromes, Hereditary; Hereditary neoplastic syndrome. Identifiers: Orphanet 140162, MedGen C0027672, MeSH D009386, MONDO:0015356.
Tuberous sclerosis 1 (TSC1). Identifiers: Orphanet 805, MedGen C1854465, MONDO:0008612, OMIM 191100.

Allele frequency attached by ClinVar (database versions not stated): gnomAD exomes below 0.00001.

Submissions (2):

Labcorp Genetics (formerly Invitae), Labcorp
Classification: Uncertain significance for Tuberous sclerosis 1. Last evaluated: 2026-01-26. Review status: criteria provided, single submitter. Criteria: Invitae Variant Classification Sherloc (09022015). Collection method: clinical testing. Allele origin: germline.
Comment: This sequence change replaces valine, which is neutral and non-polar, with isoleucine, which is neutral and non-polar, at codon 877 of the TSC1 protein (p.Val877Ile). This variant is not present in population databases (gnomAD no frequency). This variant has not been reported in the literature in individuals affected with TSC1-related conditions. ClinVar contains an entry for this variant (Variation ID: 863256). Invitae Evidence Modeling of protein sequence and biophysical properties (such as structural, functional, and spatial information, amino acid conservation, physicochemical variation, residue mobility, and thermodynamic stability) indicates that this missense variant is not expected to disrupt TSC1 protein function with a negative predictive value of 95%. In summary, the available evidence is currently insufficient to determine the role of this variant in disease. Therefore, it has been classified as a Variant of Uncertain Significance.

Ambry Genetics
Classification: Uncertain significance for Hereditary cancer-predisposing syndrome. Last evaluated: 2025-08-30. Review status: criteria provided, single submitter. Criteria: Ambry Variant Classification Scheme 2023. Collection method: clinical testing. Allele origin: germline.
Comment: The p.V877I variant (also known as c.2629G>A), located in coding exon 19 of the TSC1 gene, results from a G to A substitution at nucleotide position 2629. The valine at codon 877 is replaced by isoleucine, an amino acid with highly similar properties. This amino acid position is conserved. In addition, this alteration is predicted to be tolerated by in silico analysis. Since supporting evidence is limited at this time, the clinical significance of this alteration remains unclear.